The following is an entry in ClinVar:

NM_001323289.2(CDKL5):c.1708G>T (p.Glu570Ter)

Gene: CDKL5 (cyclin dependent kinase like 5; plus strand). Cytogenetic location: Xp22.13.
Variant type: single nucleotide variant.
Coding change: c.1708G>T on transcript NM_001323289.2 (MANE Select); coding-DNA position 1708, G replaced by T.
Protein change: p.Glu570Ter; replaces glutamic acid 570 with a stop codon.
Molecular consequence: nonsense.
Genome position (GRCh38, 1-based): chrX:18,604,632, G>T. VCF-style: chrX-18604632-G-T. GRCh37 (hg19) VCF-style: chrX-18622752-G-T.
Other names: NM_001323289.2(CDKL5):c.1708G>T; p.Glu570Ter; c.1708G>T, p.Glu570Ter (NM_001037343.2, NM_003159.3); short protein forms E570*.
Identifiers: ClinVar variation 143782 (VCV000143782.4), dbSNP rs267608644, ClinGen allele CA170452.

ClinVar aggregate classification (germline): Likely pathogenic. Review status: criteria provided, single submitter (1 of 4 stars). 2 submissions from 2 submitters: Likely pathogenic (1). 1 of the submissions does not count toward it. Last evaluated 2024-09-13.

Conditions:
CDKL5 disorder. Identifiers: MedGen CN296942, MONDO:0100039.
Atypical Rett syndrome. Also called: Variant Rett Syndrome; Rett like syndrome. Identifiers: Orphanet 3095, MedGen C2748910, MONDO:0017746.

Submissions (2):

Centre for Population Genomics, CPG
Classification: Likely pathogenic for CDKL5 disorder. Last evaluated: 2024-09-13. Review status: criteria provided, single submitter. Criteria: McKnight et al. (Hum Mutat. 2022). Collection method: curation. Allele origin: germline. Inheritance: X-linked inheritance.
Comment: This variant has been collected from RettBASE and curated to current modified ACMG/AMP criteria. Based on the classification scheme defined by the ClinGen Rett/Angelman-like Expert Panel for Rett/AS-like Disorders Specifications to the ACMG/AMP Variant Interpretation Guidelines VCEP 3.0, this variant is classified as likely pathogenic. At least the following criteria are met: Predicted to result in loss of function, and LOF is a known mechanism of disease (PVS1). This variant is absent from gnomAD (PM2_Supporting). Has been observed in at least 1 individual with phenotypes consistent with CDKL5 disorder (PMID: 21160487).

RettBASE
Classification: Pathogenic for Atypical Rett syndrome. Last evaluated: 2014-03-13. Review status: no assertion criteria provided. Collection method: curation. Allele origin: unknown. Affected: yes. Observed: 1 variant allele. Not counted in ClinVar's aggregate classification.

Literature cited by the submitters: PubMed 21160487 (cited by RettBASE).